The following is an entry in ClinVar:

ClinVar aggregate classification (germline): Uncertain significance (1 of 4 stars; one submission).

gnomAD v4.1: 5 of 1,613,094 alleles (0.00031%); highest among the groups gnomAD compares: Non-Finnish European, 0.00042%; no homozygotes.

Submission:

Labcorp Genetics (formerly Invitae), Labcorp
Classification: Uncertain significance. Last evaluated: 2024-07-26. Review status: criteria provided, single submitter. Criteria: Invitae Variant Classification Sherloc (09022015). Collection method: clinical testing. Allele origin: germline.
Comment: This sequence change replaces glutamine, which is neutral and polar, with arginine, which is basic and polar, at codon 353 of the REN protein (p.Gln353Arg). This variant is not present in population databases (gnomAD no frequency). This variant has not been reported in the literature in individuals affected with REN-related conditions. An algorithm developed to predict the effect of missense changes on protein structure and function (PolyPhen-2) suggests that this variant is likely to be tolerated. In summary, the available evidence is currently insufficient to determine the role of this variant in disease. Therefore, it has been classified as a Variant of Uncertain Significance.

NM_000537.4(REN):c.1058A>G (p.Gln353Arg)

Gene: REN (renin; minus strand). Cytogenetic location: 1q32.1.
Variant type: single nucleotide variant.
Coding change: c.1058A>G on transcript NM_000537.4 (MANE Select); coding-DNA position 1058, A replaced by G.
Protein change: p.Gln353Arg; replaces glutamine 353 with arginine.
Molecular consequence: missense variant.
Genome position (GRCh38, 1-based): chr1:204,155,821, T>C on the plus strand (A>G on the coding strand, the complement: REN is on the minus strand). VCF-style: chr1-204155821-T-C. GRCh37 (hg19) VCF-style: chr1-204124949-T-C.
Other names: short protein forms Q353R.
Identifiers: ClinVar variation 3659798 (VCV003659798.2).